The following is an entry in ClinVar:

ClinVar aggregate classification (germline): Conflicting classifications of pathogenicity. Review status: criteria provided, conflicting classifications (1 of 4 stars). 3 submissions from 3 submitters: Likely pathogenic (1); Uncertain significance (2). Last evaluated 2025-10-13.

Conditions:
Mitochondrial short-chain Enoyl-Coa hydratase 1 deficiency. Also called: Mitochondrial Short-Chain Enoyl-CoA Hydratase Deficiency; PxMD-ECHS1; ECHS1 deficiency. Identifiers: Orphanet 255241, Orphanet 653880, MedGen C4225391, MONDO:0014563, OMIM 616277.

Allele frequency attached by ClinVar (database versions not stated): gnomAD 0.00001; TOPMed 0.00003.
gnomAD v4.1: 21 of 1,597,426 alleles (0.0013%); highest among the groups gnomAD compares: Admixed American, 0.021%; no homozygotes.

Submissions (3):

GeneDx
Classification: Likely pathogenic. Last evaluated: 2025-10-13. Review status: criteria provided, single submitter. Criteria: GeneDx Variant Classification Process June 2021. Collection method: clinical testing. Allele origin: germline. Affected: yes.
Comment: In silico analysis suggests that this missense variant does not alter protein structure/function; Not observed at significant frequency in large population cohorts (gnomAD); This variant is associated with the following publications: (PMID: 26099313, 26000322, 35586607)

Labcorp Genetics (formerly Invitae), Labcorp
Classification: Uncertain significance. Last evaluated: 2024-10-15. Review status: criteria provided, single submitter. Criteria: Invitae Variant Classification Sherloc (09022015). Collection method: clinical testing. Allele origin: germline.
Comment: This sequence change replaces glycine, which is neutral and non-polar, with arginine, which is basic and polar, at codon 90 of the ECHS1 protein (p.Gly90Arg). The frequency data for this variant in the population databases is considered unreliable, as metrics indicate poor data quality at this position in the gnomAD database. This missense change has been observed in individual(s) with ECHS1-related conditions (PMID: 26000322, 35586607). ClinVar contains an entry for this variant (Variation ID: 426299). Invitae Evidence Modeling of protein sequence and biophysical properties (such as structural, functional, and spatial information, amino acid conservation, physicochemical variation, residue mobility, and thermodynamic stability) indicates that this missense variant is not expected to disrupt ECHS1 protein function with a negative predictive value of 80%. In summary, the available evidence is currently insufficient to determine the role of this variant in disease. Therefore, it has been classified as a Variant of Uncertain Significance.

Baylor Genetics
Classification: Uncertain significance for Mitochondrial short-chain Enoyl-Coa hydratase 1 deficiency. Last evaluated: 2018-09-19. Review status: criteria provided, single submitter. Criteria: ACMG Guidelines, 2015. Collection method: clinical testing. Allele origin: unknown. Affected: yes.
Comment: This variant was determined to be of uncertain significance according to ACMG Guidelines, 2015 [PMID:25741868].

Literature cited by the submitters: PubMed 26000322 (cited by Labcorp Genetics (formerly Invitae), Labcorp); PubMed 35586607 (cited by Labcorp Genetics (formerly Invitae), Labcorp).

NM_004092.4(ECHS1):c.268G>A (p.Gly90Arg)

Gene: ECHS1 (enoyl-CoA hydratase, short chain 1; minus strand). Cytogenetic location: 10q26.3.
Variant type: single nucleotide variant.
Coding change: c.268G>A on transcript NM_004092.4 (MANE Select); coding-DNA position 268, G replaced by A.
Protein change: p.Gly90Arg; replaces glycine 90 with arginine.
Molecular consequence: missense variant.
Genome position (GRCh38, 1-based): chr10:133,370,578, C>T on the plus strand (G>A on the coding strand, the complement: ECHS1 is on the minus strand). VCF-style: chr10-133370578-C-T. GRCh37 (hg19) VCF-style: chr10-135184082-C-T.
Other names: short protein forms G90R.
Identifiers: ClinVar variation 426299 (VCV000426299.11), dbSNP rs1085307550, ClinGen allele CA378822691.